The following is an entry in ClinVar:

NM_000823.4(GHRHR):c.272C>T (p.Ala91Val)

Gene: GHRHR (growth hormone releasing hormone receptor; plus strand). Cytogenetic location: 7p14.3.
Variant type: single nucleotide variant.
Coding change: c.272C>T on transcript NM_000823.4 (MANE Select); coding-DNA position 272, C replaced by T.
Protein change: p.Ala91Val; replaces alanine 91 with valine.
Molecular consequence: missense variant.
Genome position (GRCh38, 1-based): chr7:30,969,870, C>T. VCF-style: chr7-30969870-C-T. GRCh37 (hg19) VCF-style: chr7-31009485-C-T.
Other names: short protein forms A91V.
Identifiers: ClinVar variation 909903 (VCV000909903.13), dbSNP rs144372265, ClinGen allele CA4208482.

ClinVar aggregate classification (germline): Benign/Likely benign. Review status: criteria provided, multiple submitters, no conflicts (2 of 4 stars). 3 submissions from 3 submitters: Benign (1); Likely benign (1). 1 of the submissions does not count toward it. Last evaluated 2025-12-15.

Conditions:
GHRHR-related disorder. Also called: GHRHR-related condition.
Isolated growth hormone deficiency type IB (IGHD1B). Also called: IGHD IB; IGHD 1B. Identifiers: Orphanet 231671, Orphanet 631, MedGen C2748571, MONDO:0013006, OMIM 612781.

Allele frequency attached by ClinVar (database versions not stated): gnomAD 0.00031 and 0.00019; TOPMed 0.00031; ExAC 0.00049; 1000 Genomes Project 30x 0.00219; 1000 Genomes Project 0.00220.

Submissions (3):

Labcorp Genetics (formerly Invitae), Labcorp
Classification: Benign. Last evaluated: 2025-12-15. Review status: criteria provided, single submitter. Criteria: Invitae Variant Classification Sherloc (09022015). Collection method: clinical testing. Allele origin: germline.

Illumina Laboratory Services, Illumina
Classification: Likely benign for Isolated growth hormone deficiency type IB. Last evaluated: 2017-04-27. Review status: criteria provided, single submitter. Criteria: ICSL Variant Classification Criteria 13 December 2019. Collection method: clinical testing. Allele origin: germline.
Comment: This variant was observed as part of a predisposition screen in an ostensibly healthy population. A literature search was performed for the gene, cDNA change, and amino acid change (where applicable). Publications were found based on this search. The evidence from the literature, in combination with allele frequency data from public databases where available, was sufficient to determine this variant is unlikely to cause disease. Therefore, this variant is classified as likely benign.

PreventionGenetics, part of Exact Sciences
Classification: Likely benign for GHRHR-related condition. Last evaluated: 2020-05-11. Review status: no assertion criteria provided. Collection method: clinical testing. Allele origin: germline. Not counted in ClinVar's aggregate classification.
Comment: This variant is classified as likely benign based on ACMG/AMP sequence variant interpretation guidelines (Richards et al. 2015 PMID: 25741868, with internal and published modifications).

Literature cited by the submitters: PubMed 21044116 (cited by Illumina Laboratory Services, Illumina).